The following is an entry in ClinVar:

NM_007055.4(POLR3A):c.147_148insT (p.Pro50fs)

Gene: POLR3A (RNA polymerase III subunit A; minus strand). Cytogenetic location: 10q22.3.
Variant type: Insertion.
Coding change: c.147_148insT on transcript NM_007055.4 (MANE Select); coding-DNA positions 147 to 148, T inserted.
Protein change: p.Pro50fs; shifts the reading frame from proline 50.
Molecular consequence: frameshift variant.
Genome position: GRCh38 VCF-style: chr10-78026126-G-GA. GRCh37 (hg19) VCF-style: chr10-79785884-G-GA.
Other names: NM_007055.4(POLR3A):c.147_148insT; p.Pro50fs; short protein forms P50fs.
Identifiers: ClinVar variation 1453734 (VCV001453734.6), dbSNP rs772708260, ClinGen allele CA5571787.

ClinVar aggregate classification (germline): Pathogenic/Likely pathogenic. Review status: criteria provided, multiple submitters, no conflicts (2 of 4 stars). 2 submissions from 2 submitters: Pathogenic (1); Likely pathogenic (1). Last evaluated 2023-01-24.

Conditions:
Leukodystrophy. Identifiers: Orphanet 68356, MedGen C0023520, MONDO:0019046, HP:0002415.

Allele frequency attached by ClinVar (database versions not stated): gnomAD exomes below 0.00001 and 0.00001; ExAC 0.00001.

Submissions (2):

Broad Center for Mendelian Genomics, Broad Institute of MIT and Harvard
Classification: Likely pathogenic for Leukodystrophy. Last evaluated: 2023-01-24. Review status: criteria provided, single submitter. Criteria: ACMG Guidelines, 2015. Collection method: curation. Allele origin: germline. Inheritance: Autosomal recessive inheritance.
Comment: The p.Pro50fs variant in POLR3A has not been previously reported in the literature in individuals with hypomyelinating leukodystrophy, but has been identified in 0.007% (2/30616) of South Asian chromosomes by the Genome Aggregation Database (gnomAD; dbSNP ID: rs746680609). Although this variant has been seen in the general population in a heterozygous state, its frequency is low enough to be consistent with a recessive carrier frequency. This variant has also been reported in ClinVar (Variation ID#: 1453734) and has been interpreted as pathogenic by Invitae. This variant is predicted to cause a frameshift, which alters the protein‚Äôs amino acid sequence beginning at position 50 and leads to a premature termination codon 10 amino acids downstream. This alteration is then predicted to lead to a truncated or absent protein. Loss of function of the POLR3A gene is an established disease mechanism in autosomal recessive hypomyelinating leukodystrophy. In summary, although additional studies are required to fully establish its clinical significance, this variant is likely pathogenic for autosomal recessive hypomyelinating leukodystrophy. ACMG/AMP Criteria applied: PVS1, PM2 (Richards 2015).

Labcorp Genetics (formerly Invitae), Labcorp
Classification: Pathogenic. Last evaluated: 2021-03-20. Review status: criteria provided, single submitter. Criteria: Invitae Variant Classification Sherloc (09022015). Collection method: clinical testing. Allele origin: germline.
Comment: For these reasons, this variant has been classified as Pathogenic. This variant has not been reported in the literature in individuals with POLR3A-related conditions. The frequency data for this variant in the population databases is considered unreliable, as metrics indicate poor data quality at this position in the ExAC database. This sequence change creates a premature translational stop signal (p.Pro50Serfs*10) in the POLR3A gene. It is expected to result in an absent or disrupted protein product. Loss-of-function variants in POLR3A are known to be pathogenic (PMID: 21855841, 25339210, 27612211, 30414627, 30450527).

Literature cited by the submitters: PubMed 21855841 (cited by Labcorp Genetics (formerly Invitae), Labcorp); PubMed 25339210 (cited by Labcorp Genetics (formerly Invitae), Labcorp); PubMed 27612211 (cited by Labcorp Genetics (formerly Invitae), Labcorp); PubMed 30414627 (cited by Labcorp Genetics (formerly Invitae), Labcorp); PubMed 30450527 (cited by Labcorp Genetics (formerly Invitae), Labcorp).